The following is an entry in ClinVar:

NM_001122681.2(SH3BP2):c.967A>G (p.Met323Val)

Gene: SH3BP2 (SH3 domain binding protein 2; plus strand). Cytogenetic location: 4p16.3.
Variant type: single nucleotide variant.
Coding change: c.967A>G on transcript NM_001122681.2 (MANE Select); coding-DNA position 967, A replaced by G.
Protein change: p.Met323Val; replaces methionine 323 with valine.
Molecular consequence: missense variant.
Genome position (GRCh38, 1-based): chr4:2,829,873, A>G. VCF-style: chr4-2829873-A-G. GRCh37 (hg19) VCF-style: chr4-2831600-A-G.
Other names: c.1051A>G, p.Met351Val (NM_001145855.2); c.1138A>G, p.Met380Val (NM_001145856.2); c.967A>G, p.Met323Val (NM_003023.4); short protein forms M351V, M380V, M323V.
Identifiers: ClinVar variation 1412186 (VCV001412186.6), dbSNP rs1482037731, ClinGen allele CA356056576.
Genomic context (GRCh38, chr4:2,829,873, plus strand): 5'-CCCAGCCCGGAGCCCTGGACCCCTGGCCACGGGGCCTGCTCCACTTCCAGTGCTGCCATC[A>G]TGGCCACTGCCACCTCCAGAAACTGTGACAAACTCAAGTCCTTCCACCTGTCCCCCCGAG-3'
Protein context (NP_001116153.1, residues 313-333): GACSTSSAAI[Met323Val]ATATSRNCDK

ClinVar aggregate classification (germline): Uncertain significance (1 of 4 stars; one submission).

Conditions:
Fibrous dysplasia of jaw (CRBM). Also called: Cherubism. Identifiers: Orphanet 184, MedGen C0008029, MONDO:0007315, OMIM 118400.

Allele frequency attached by ClinVar (database versions not stated): gnomAD exomes below 0.00001; gnomAD 0.00003.
gnomAD v4.1: 7 of 1,613,608 alleles (0.00043%); highest among the groups gnomAD compares: Admixed American, 0.0017%; no homozygotes.

Submission:

Labcorp Genetics (formerly Invitae), Labcorp
Classification: Uncertain significance for Fibrous dysplasia of jaw. Last evaluated: 2024-05-10. Review status: criteria provided, single submitter. Criteria: Invitae Variant Classification Sherloc (09022015). Collection method: clinical testing. Allele origin: germline.
Comment: This sequence change replaces methionine, which is neutral and non-polar, with valine, which is neutral and non-polar, at codon 323 of the SH3BP2 protein (p.Met323Val). This variant is present in population databases (no rsID available, gnomAD 0.003%). This variant has not been reported in the literature in individuals affected with SH3BP2-related conditions. ClinVar contains an entry for this variant (Variation ID: 1412186). Advanced modeling of protein sequence and biophysical properties (such as structural, functional, and spatial information, amino acid conservation, physicochemical variation, residue mobility, and thermodynamic stability) performed at Invitae indicates that this missense variant is not expected to disrupt SH3BP2 protein function with a negative predictive value of 80%. In summary, the available evidence is currently insufficient to determine the role of this variant in disease. Therefore, it has been classified as a Variant of Uncertain Significance.